The following is an entry in ClinVar:

NM_020911.2(PLXNA4):c.4365G>T (p.Gly1455=)

Gene: PLXNA4 (plexin A4; minus strand). Cytogenetic location: 7q32.3.
Variant type: single nucleotide variant.
Coding change: c.4365G>T on transcript NM_020911.2 (MANE Select); coding-DNA position 4365, G replaced by T.
Protein change: p.Gly1455=; no amino-acid change (glycine 1455 retained).
Molecular consequence: synonymous variant.
Genome position (GRCh38, 1-based): chr7:132,164,277, C>A on the plus strand (G>T on the coding strand, the complement: PLXNA4 is on the minus strand). VCF-style: chr7-132164277-C-A. GRCh37 (hg19) VCF-style: chr7-131849036-C-A.
Other names: c.4365G>T, p.Gly1455= (NM_001393897.1).
Identifiers: ClinVar variation 4988964 (VCV004988964.1).
Genomic context (GRCh38, chr7:132,164,277, plus strand): 5'-GTCAATGGGGCCCTTCTCCATCTGCTGCTTGATGGCACAGAACAGGGAGAAGAGGGGCTC[C>A]CCAGCACACTCCTGGAGGTGAGAAGAACGTCATTAGGAGGAGCTCTTGGAACACTGGAGT-3'
Protein context (NP_065962.1, residues 1445-1465): LLYKFLKECA[Gly1455=]EPLFSLFCAI

ClinVar aggregate classification (germline): Likely benign (1 of 4 stars; one submission).

Conditions:
PLXNA4-related disorder. Also called: PLXNA4-related condition.

gnomAD v4.1: 2 of 1,614,156 alleles (0.00012%); highest among the groups gnomAD compares: Admixed American, 0.0033%; no homozygotes.

Submission:

PreventionGenetics, part of Exact Sciences
Classification: Likely benign for PLXNA4-related condition. Last evaluated: 2026-07-14. Review status: criteria provided, single submitter. Criteria: ACMG Guidelines, 2015. Collection method: clinical testing. Allele origin: germline.
Comment: This variant is classified as likely benign based on ACMG/AMP sequence variant interpretation guidelines (Richards et al. 2015 PMID: 25741868, with internal and published modifications).